The following is an entry in ClinVar:

ClinVar aggregate classification (germline): Conflicting classifications of pathogenicity. Review status: criteria provided, conflicting classifications (1 of 4 stars). 2 submissions from 2 submitters: Uncertain significance (1); Likely benign (1). Last evaluated 2023-03-23.

Conditions:
Hereditary cancer-predisposing syndrome. Also called: Neoplastic Syndromes, Hereditary; Hereditary Cancer Syndrome; Tumor predisposition; Hereditary neoplastic syndrome. Identifiers: Orphanet 140162, MedGen C0027672, MeSH D009386, MONDO:0015356.
Hereditary breast ovarian cancer syndrome. Also called: Hereditary breast and ovarian cancer syndrome (HBOC); Hereditary breast and ovarian cancer; Breast and ovarian cancer; BRCA1- and BRCA2-Associated Hereditary Breast and Ovarian Cancer; Hereditary breast and ovarian cancer syndrome; Hereditary breast and/or ovarian cancer syndrome. Identifiers: Orphanet 145, MedGen C0677776, MeSH D061325, MONDO:0003582. Disease mechanism: loss of function.

Submissions (2):

University of Washington Department of Laboratory Medicine, University of Washington
Classification: Likely benign for Hereditary cancer-predisposing syndrome. Last evaluated: 2023-03-23. Review status: criteria provided, single submitter. Criteria: Dines et al. (Genet Med. 2020). Collection method: curation. Allele origin: germline.
Comment: Missense variant in a coldspot region where missense variants are very unlikely to be pathogenic (PMID:31911673).

BRCA2 exon 11 coldspot. Reclassification based on statistical prior probability.

Labcorp Genetics (formerly Invitae), Labcorp
Classification: Uncertain significance for Hereditary breast ovarian cancer syndrome. Last evaluated: 2019-06-20. Review status: criteria provided, single submitter. Criteria: Invitae Variant Classification Sherloc (09022015). Collection method: clinical testing. Allele origin: germline.
Comment: This sequence change replaces valine with aspartic acid at codon 778 of the BRCA2 protein (p.Val778Asp). The valine residue is weakly conserved and there is a large physicochemical difference between valine and aspartic acid. This variant is not present in population databases (ExAC no frequency). This variant has not been reported in the literature in individuals with BRCA2-related conditions. Algorithms developed to predict the effect of missense changes on protein structure and function (SIFT, PolyPhen-2, Align-GVGD) all suggest that this variant is likely to be tolerated, but these predictions have not been confirmed by published functional studies and their clinical significance is uncertain. In summary, the available evidence is currently insufficient to determine the role of this variant in disease. Therefore, it has been classified as a Variant of Uncertain Significance.

NM_000059.4(BRCA2):c.2333T>A (p.Val778Asp)

Gene: BRCA2 (BRCA2 DNA repair associated; plus strand). Cytogenetic location: 13q13.1.
Variant type: single nucleotide variant.
Coding change: c.2333T>A on transcript NM_000059.4 (MANE Select); coding-DNA position 2333, T replaced by A.
Protein change: p.Val778Asp; replaces valine 778 with aspartic acid.
Molecular consequence: missense variant.
Genome position (GRCh38, 1-based): chr13:32,336,688, T>A. VCF-style: chr13-32336688-T-A. GRCh37 (hg19) VCF-style: chr13-32910825-T-A.
Other names: short protein forms V778D.
Identifiers: ClinVar variation 945568 (VCV000945568.11), dbSNP rs1064793704, ClinGen allele CA387771549.